The following is an entry in ClinVar:

ClinVar aggregate classification (germline): Conflicting classifications of pathogenicity. Review status: criteria provided, conflicting classifications (1 of 4 stars). 2 submissions from 2 submitters: Uncertain significance (1); Likely benign (1). Last evaluated 2025-01-17.

Conditions:
Inborn genetic diseases. Identifiers: MedGen C0950123, MeSH D030342.
Epidermolysis bullosa simplex 5C, with pyloric atresia (EBS5C). Also called: PLEC1-Related Epidermolysis Bullosa with Pyloric Atresia; Epidermolysis bullosa simplex with pyloric atresia; PLEC-Related Epidermolysis Bullosa with Pyloric Atresia. Identifiers: Orphanet 158684, MedGen C2677349, MONDO:0012807, OMIM 612138.
Autosomal recessive limb-girdle muscular dystrophy type 2Q (LGMDR17). Also called: MUSCULAR DYSTROPHY, LIMB-GIRDLE, AUTOSOMAL RECESSIVE 17. Identifiers: Orphanet 254361, MedGen C3150989, MONDO:0013390, OMIM 613723.
Epidermolysis bullosa simplex with nail dystrophy (EBS5D). Identifiers: MedGen C4225309, MONDO:0014661, OMIM 616487.
Epidermolysis bullosa simplex 5B, with muscular dystrophy (EBS5B). Also called: Epidermolysis bullosa simplex with muscular dystrophy; EPIDERMOLYSIS BULLOSA SIMPLEX AND LIMB-GIRDLE MUSCULAR DYSTROPHY. Identifiers: Orphanet 257, MedGen C2931072, MONDO:0009181, OMIM 226670.
Epidermolysis bullosa simplex, Ogna type (EBS5A). Also called: EPIDERMOLYSIS BULLOSA SIMPLEX 5A, OGNA TYPE; Pidermolysis bullosa simplex 5A, Ogna type. Identifiers: Orphanet 79401, MedGen C0432317, MONDO:0007555, OMIM 131950.

Allele frequency attached by ClinVar (database versions not stated): gnomAD exomes 0.00002 and 0.00005; gnomAD 0.00004 and 0.00005; TOPMed 0.00004; ExAC 0.00005; 1000 Genomes Project 30x 0.00016; 1000 Genomes Project 0.00020.
gnomAD v4.1: 72 of 1,576,394 alleles (0.0046%); highest among the groups gnomAD compares: African/African-American, 0.012%; no homozygotes.

Submissions (2):

Ambry Genetics
Classification: Likely benign for Inborn genetic diseases. Last evaluated: 2025-01-17. Review status: criteria provided, single submitter. Criteria: Ambry Variant Classification Scheme 2023. Collection method: clinical testing. Allele origin: germline.

Labcorp Genetics (formerly Invitae), Labcorp
Classification: Uncertain significance for Autosomal recessive limb-girdle muscular dystrophy type 2Q; Epidermolysis bullosa simplex, Ogna type; Epidermolysis bullosa simplex with nail dystrophy; Epidermolysis bullosa simplex 5C, with pyloric atresia; Epidermolysis bullosa simplex 5B, with muscular dystrophy. Last evaluated: 2024-04-11. Review status: criteria provided, single submitter. Criteria: Invitae Variant Classification Sherloc (09022015). Collection method: clinical testing. Allele origin: germline.
Comment: This sequence change replaces arginine, which is basic and polar, with glutamine, which is neutral and polar, at codon 2608 of the PLEC protein (p.Arg2608Gln). This variant is present in population databases (rs560763455, gnomAD 0.004%). This variant has not been reported in the literature in individuals affected with PLEC-related conditions. ClinVar contains an entry for this variant (Variation ID: 843257). Advanced modeling of protein sequence and biophysical properties (such as structural, functional, and spatial information, amino acid conservation, physicochemical variation, residue mobility, and thermodynamic stability) performed at Invitae indicates that this missense variant is not expected to disrupt PLEC protein function with a negative predictive value of 80%. In summary, the available evidence is currently insufficient to determine the role of this variant in disease. Therefore, it has been classified as a Variant of Uncertain Significance.

NM_201384.3(PLEC):c.7742G>A (p.Arg2581Gln)

Gene: PLEC (plectin; minus strand). Cytogenetic location: 8q24.3.
Variant type: single nucleotide variant.
Coding change: c.7742G>A on transcript NM_201384.3 (MANE Select); coding-DNA position 7742, G replaced by A.
Protein change: p.Arg2581Gln; replaces arginine 2581 with glutamine.
Molecular consequence: missense variant.
Genome position (GRCh38, 1-based): chr8:143,922,079, C>T on the plus strand (G>A on the coding strand, the complement: PLEC is on the minus strand). VCF-style: chr8-143922079-C-T. GRCh37 (hg19) VCF-style: chr8-144996247-C-T.
Other names: c.7823G>A (NM_000445.3); c.7823G>A, p.Arg2608Gln (NM_000445.5); c.7700G>A, p.Arg2567Gln (NM_201378.4); c.7676G>A, p.Arg2559Gln (NM_201379.3); c.8153G>A, p.Arg2718Gln (NM_201380.4); c.7646G>A, p.Arg2549Gln (NM_201381.3); c.7742G>A, p.Arg2581Gln (NM_201382.4); c.7754G>A, p.Arg2585Gln (NM_201383.3); short protein forms R2559Q, R2567Q, R2718Q, R2549Q, R2585Q, R2581Q, R2608Q.
Identifiers: ClinVar variation 843257 (VCV000843257.8), dbSNP rs560763455, ClinGen allele CA4925527.